The following is an entry in ClinVar:

ClinVar aggregate classification (germline): Pathogenic/Likely pathogenic. Review status: criteria provided, multiple submitters, no conflicts (2 of 4 stars). 4 submissions from 4 submitters: Pathogenic (1); Likely pathogenic (3). Last evaluated 2025-12-31.

Conditions:
Galactosylceramide beta-galactosidase deficiency. Also called: GALACTOCEREBROSIDASE DEFICIENCY; GALC DEFICIENCY; GLOBOID CELL LEUKOENCEPHALOPATHY; Krabbe Disease; Leukodystrophy, Globoid Cell. Identifiers: Orphanet 487, MedGen C0023521, MONDO:0009499, OMIM 245200.

Submissions (4):

Natera, Inc.
Classification: Likely pathogenic for Galactosylceramide beta-galactosidase deficiency. Last evaluated: 2025-12-31. Review status: criteria provided, single submitter. Criteria: Natera Variant Classification Schema (03/2026). Collection method: clinical testing. Allele origin: germline.
Comment: The c.349A>T variant in GALC is a missense variant predicted to cause substitution of methionine to leucine at amino acid 117. This variant is rare in the general population with a frequency below the threshold expected for the associated phenotype(s). This variant has been observed in one or more individuals affected with the associated recessive disease, as either homozygous or compound heterozygous with a second variant (PMID: 8940268). Functional studies show that this variant may disrupt protein function (PMID: 8940268). A different variant at the same position has been determined to be Pathogenic or Likely Pathogenic. Computational prediction algorithms indicate this variant is likely to affect gene or protein function. Given the available evidence, this variant is classified as Likely Pathogenic.

Fulgent Genetics
Classification: Likely pathogenic for Galactosylceramide beta-galactosidase deficiency. Last evaluated: 2024-04-13. Review status: criteria provided, single submitter. Criteria: ACMG Guidelines, 2015. Collection method: clinical testing. Allele origin: germline.

Labcorp Genetics (formerly Invitae), Labcorp
Classification: Pathogenic for Galactosylceramide beta-galactosidase deficiency. Last evaluated: 2023-07-10. Review status: criteria provided, single submitter. Criteria: Invitae Variant Classification Sherloc (09022015). Collection method: clinical testing. Allele origin: germline.
Comment: Studies have shown that this missense change alters GALC gene expression (PMID: 8940268). For these reasons, this variant has been classified as Pathogenic. This variant disrupts the p.Met117 amino acid residue in GALC. Other variant(s) that disrupt this residue have been determined to be pathogenic (PMID: 23430802, 27638593, 30089515). This suggests that this residue is clinically significant, and that variants that disrupt this residue are likely to be disease-causing. Advanced modeling of protein sequence and biophysical properties (such as structural, functional, and spatial information, amino acid conservation, physicochemical variation, residue mobility, and thermodynamic stability) performed at Invitae indicates that this missense variant is expected to disrupt GALC protein function. ClinVar contains an entry for this variant (Variation ID: 1458657). This variant is also known as M101L. This missense change has been observed in individual(s) with Krabbe disease (PMID: 8940268). This variant is not present in population databases (gnomAD no frequency). This sequence change replaces methionine, which is neutral and non-polar, with leucine, which is neutral and non-polar, at codon 117 of the GALC protein (p.Met117Leu).

Women's Health and Genetics/Laboratory Corporation of America, LabCorp
Classification: Likely pathogenic for Galactosylceramide beta-galactosidase deficiency. Last evaluated: 2023-05-15. Review status: criteria provided, single submitter. Criteria: LabCorp Variant Classification Summary - May 2015. Collection method: clinical testing. Allele origin: germline.
Comment: Variant summary: GALC c.349A>T (p.Met117Leu) results in a conservative amino acid change in the encoded protein sequence. Four of five in-silico tools predict a damaging effect of the variant on protein function. The variant was absent in 249238 control chromosomes. c.349A>T has been reported in the literature as a compound heterozygous genotype with a null allele variant in at-least one individual affected with a late-onset form of Krabbe Disease (example, De Gaspieri_1996 cited in Iacono_2022). At least two publications report experimental evidence evaluating an impact on protein function. The most pronounced variant effect results in 20% of normal galactocerebrosidase activity in-vitro (De Gaspieri_1996) and a 94% reduction in GALC activity in the brain homogenate of the individual reported above (Iacono_2022 citing De Gaspieri_1996). The following publications have been ascertained in the context of this evaluation (PMID: 8940268, 21876145, 36113749). One clinical diagnostic laboratory has submitted clinical-significance assessments for this variant to ClinVar after 2014 and classified the variant as pathogenic. Based on the evidence outlined above, the variant was classified as likely pathogenic.

Literature cited by the submitters: PubMed 8940268 (cited by 3 submitters); PubMed 23430802 (cited by Labcorp Genetics (formerly Invitae), Labcorp); PubMed 27638593 (cited by Labcorp Genetics (formerly Invitae), Labcorp); PubMed 30089515 (cited by Labcorp Genetics (formerly Invitae), Labcorp); PubMed 21876145 (cited by Women's Health and Genetics/Laboratory Corporation of America, LabCorp); PubMed 36113749 (cited by Women's Health and Genetics/Laboratory Corporation of America, LabCorp).

NM_000153.4(GALC):c.349A>T (p.Met117Leu)

Gene: GALC (galactosylceramidase; minus strand). Cytogenetic location: 14q31.3.
Variant type: single nucleotide variant.
Coding change: c.349A>T on transcript NM_000153.4 (MANE Select); coding-DNA position 349, A replaced by T.
Protein change: p.Met117Leu; replaces methionine 117 with leucine.
Molecular consequence: missense variant.
Genome position (GRCh38, 1-based): chr14:87,986,582, T>A on the plus strand (A>T on the coding strand, the complement: GALC is on the minus strand). VCF-style: chr14-87986582-T-A. GRCh37 (hg19) VCF-style: chr14-88452926-T-A.
Other names: c.280A>T, p.Met94Leu (NM_001201401.2); c.271A>T, p.Met91Leu (NM_001201402.2); c.349A>T (NM_000153.3); short protein forms M117L, M94L, M91L.
Identifiers: ClinVar variation 1458657 (VCV001458657.9), dbSNP rs145580093, ClinGen allele CA390752762.